The following is an entry in ClinVar:

ClinVar aggregate classification (germline): Uncertain significance (1 of 4 stars; one submission).

Allele frequency attached by ClinVar (database versions not stated): gnomAD exomes below 0.00001.

Submission:

CeGaT Center for Human Genetics Tuebingen
Classification: Uncertain significance. Last evaluated: 2024-05-01. Review status: criteria provided, single submitter. Criteria: CeGaT Center For Human Genetics Tuebingen Variant Classification Criteria Version 2. Collection method: clinical testing. Allele origin: germline. Affected: yes. Observed: 1 variant allele.
Comment: NR2E3: PM2

NM_014249.4(NR2E3):c.568G>A (p.Asp190Asn)

Gene: NR2E3 (nuclear receptor subfamily 2 group E member 3; plus strand). Cytogenetic location: 15q23.
Variant type: single nucleotide variant.
Coding change: c.568G>A on transcript NM_014249.4 (MANE Select); coding-DNA position 568, G replaced by A.
Protein change: p.Asp190Asn; replaces aspartic acid 190 with asparagine.
Molecular consequence: missense variant.
Genome position (GRCh38, 1-based): chr15:71,812,173, G>A. VCF-style: chr15-71812173-G-A. GRCh37 (hg19) VCF-style: chr15-72104513-G-A.
Other names: c.568G>A, p.Asp190Asn (NM_016346.4); short protein forms D190N.
Identifiers: ClinVar variation 3239338 (VCV003239338.19), dbSNP rs2140289743.